The following is an entry in ClinVar:

ClinVar aggregate classification (germline): Uncertain significance (1 of 4 stars; one submission).

Submission:

Labcorp Genetics (formerly Invitae), Labcorp
Classification: Uncertain significance. Last evaluated: 2023-08-10. Review status: criteria provided, single submitter. Criteria: Invitae Variant Classification Sherloc (09022015). Collection method: clinical testing. Allele origin: germline.
Comment: This sequence change falls in intron 14 of the STAG2 gene. It does not directly change the encoded amino acid sequence of the STAG2 protein. It affects a nucleotide within the consensus splice site. This variant is not present in population databases (gnomAD no frequency). This variant has not been reported in the literature in individuals affected with STAG2-related conditions. Variants that disrupt the consensus splice site are a relatively common cause of aberrant splicing (PMID: 17576681, 9536098). Algorithms developed to predict the effect of sequence changes on RNA splicing suggest that this variant is not likely to affect RNA splicing. In summary, the available evidence is currently insufficient to determine the role of this variant in disease. Therefore, it has been classified as a Variant of Uncertain Significance.

Literature cited by the submitters: PubMed 17576681; PubMed 9536098.

NM_001042750.2(STAG2):c.1304+5A>G

Gene: STAG2 (STAG2 cohesin complex component; plus strand). Cytogenetic location: Xq25.
Variant type: single nucleotide variant.
Coding change: c.1304+5A>G on transcript NM_001042750.2 (MANE Select); 5 bases into the intron after coding-DNA position 1304, A replaced by G.
Molecular consequence: intron variant.
Genome position (GRCh38, 1-based): chrX:124,056,240, A>G. VCF-style: chrX-124056240-A-G. GRCh37 (hg19) VCF-style: chrX-123190090-A-G.
Other names: c.1304+5A>G (NM_001375370.1, NM_001375376.1, NM_001375369.1 and 13 more transcripts).
Identifiers: ClinVar variation 2992084 (VCV002992084.3), dbSNP rs2521589266, ClinGen allele CA2740092270.